The following is an entry in ClinVar:

ClinVar aggregate classification (germline): Uncertain significance (1 of 4 stars; one submission).

Conditions:
Inborn genetic diseases. Identifiers: MedGen C0950123, MeSH D030342.

Submission:

Ambry Genetics
Classification: Uncertain significance for Inborn genetic diseases. Last evaluated: 2022-12-12. Review status: criteria provided, single submitter. Criteria: Ambry Variant Classification Scheme 2023. Collection method: clinical testing. Allele origin: germline.
Comment: The p.M1162V variant (also known as c.3484A>G), located in coding exon 25 of the LRRK2 gene, results from an A to G substitution at nucleotide position 3484. The methionine at codon 1162 is replaced by valine, an amino acid with highly similar properties. This amino acid position is conserved. In addition, this alteration is predicted to be tolerated by in silico analysis. Since supporting evidence is limited at this time, the clinical significance of this alteration remains unclear.

NM_198578.4(LRRK2):c.3484A>G (p.Met1162Val)

Gene: LRRK2 (leucine rich repeat kinase 2; plus strand). Cytogenetic location: 12q12.
Variant type: single nucleotide variant.
Coding change: c.3484A>G on transcript NM_198578.4 (MANE Select); coding-DNA position 3484, A replaced by G.
Protein change: p.Met1162Val; replaces methionine 1162 with valine.
Molecular consequence: missense variant.
Genome position (GRCh38, 1-based): chr12:40,299,245, A>G. VCF-style: chr12-40299245-A-G. GRCh37 (hg19) VCF-style: chr12-40693047-A-G.
Other names: short protein forms M1162V.
Identifiers: ClinVar variation 2489495 (VCV002489495.2), dbSNP rs2499757481, ClinGen allele CA384415986.